The following is an entry in ClinVar:

NM_001276345.2(TNNT2):c.*3C>T

Gene: TNNT2 (troponin T2, cardiac type; minus strand). Cytogenetic location: 1q32.1.
Variant type: single nucleotide variant.
Coding change: c.*3C>T on transcript NM_001276345.2 (MANE Select); 3 bases downstream of the stop codon, C replaced by T.
Molecular consequence: 3 prime UTR variant.
Genome position (GRCh38, 1-based): chr1:201,359,207, G>A on the plus strand (C>T on the coding strand, the complement: TNNT2 is on the minus strand). VCF-style: chr1-201359207-G-A. GRCh37 (hg19) VCF-style: chr1-201328335-G-A.
Other names: c.*3C>T (NM_000364.4, NM_001001430.3, NM_001001431.3 and 9 more transcripts).
Identifiers: ClinVar variation 3895074 (VCV003895074.1).

ClinVar aggregate classification (germline): Uncertain significance (1 of 4 stars; one submission).

Conditions:
Cardiovascular phenotype. Identifiers: MedGen CN230736.

Submission:

Molecular Diagnostic Laboratory for Inherited Cardiovascular Disease, Montreal Heart Institute
Classification: Uncertain significance for Cardiovascular phenotype. Last evaluated: 2025-04-09. Review status: criteria provided, single submitter. Criteria: ACMG Guidelines, 2015. Collection method: clinical testing. Allele origin: germline. Affected: yes.
Comment: PM2